The following is an entry in ClinVar:

NM_000369.5(TSHR):c.*1807T>A

Genes: TSHR-AS1 (TSHR antisense RNA 1; minus strand), TSHR (thyroid stimulating hormone receptor; plus strand). Cytogenetic location: 14q31.1.
Variant type: single nucleotide variant.
Coding change: c.*1807T>A on transcript NM_000369.5 (MANE Select); 1807 bases downstream of the stop codon, T replaced by A.
Molecular consequence: 3 prime UTR variant.
Genome position (GRCh38, 1-based): chr14:81,146,160, T>A. VCF-style: chr14-81146160-T-A. GRCh37 (hg19) VCF-style: chr14-81612504-T-A.
Identifiers: ClinVar variation 885352 (VCV000885352.4), dbSNP rs183029344, ClinGen allele CA263938205.

ClinVar aggregate classification (germline): Conflicting classifications of pathogenicity. Review status: criteria provided, conflicting classifications (1 of 4 stars). 2 submissions from 1 submitter: Uncertain significance (1); Benign (1). Last evaluated 2018-01-12.

Conditions:
Hypothyroidism due to TSH receptor mutations. Also called: Hypothyroidism, congenital, nongoitrous, 1; HYPOTHYROIDISM DUE TO UNRESPONSIVENESS TO THYROTROPIN; HYPOTHYROIDISM, CONGENITAL, DUE TO TSH RESISTANCE; HYPOTHYROIDISM, NONAUTOIMMUNE; THYROID-STIMULATING HORMONE, RESISTANCE TO; TSH RESISTANCE. Identifiers: Orphanet 90673, MedGen C3493776, MONDO:0010142, OMIM 275200.
Familial hyperthyroidism due to mutations in TSH receptor. Also called: HYPERTHYROIDISM, CONGENITAL NONAUTOIMMUNE; HYPERTHYROIDISM, NONAUTOIMMUNE, AUTOSOMAL DOMINANT; TOXIC THYROID HYPERPLASIA, AUTOSOMAL DOMINANT. Identifiers: Orphanet 424, MedGen C1836706, MONDO:0012203, OMIM 609152.

Allele frequency attached by ClinVar (database versions not stated): 1000 Genomes Project 0.00060; 1000 Genomes Project 30x 0.00062; gnomAD 0.00183 and 0.00200; TOPMed 0.00209; gnomAD exomes 0.00269.
gnomAD v4.1: 510 of 226,284 alleles (0.23%); highest among the groups gnomAD compares: Admixed American, 0.31%; no homozygotes.

Submissions (2):

Illumina Laboratory Services, Illumina
Classification: Benign for Familial hyperthyroidism due to mutations in TSH receptor. Last evaluated: 2018-01-12. Review status: criteria provided, single submitter. Criteria: ICSL Variant Classification Criteria 13 December 2019. Collection method: clinical testing. Allele origin: germline.
Comment: This variant was observed in the ICSL laboratory as part of a predisposition screen in an ostensibly healthy population. It had not been previously curated by ICSL or reported in the Human Gene Mutation Database (HGMD: prior to June 1st, 2018), and was therefore a candidate for classification through an automated scoring system. Utilizing variant allele frequency, disease prevalence and penetrance estimates, and inheritance mode, an automated score was calculated to assess if this variant is too frequent to cause the disease. Based on the score and internal cut-off values, a variant classified as benign is not then subjected to further curation. The score for this variant resulted in a classification of benign for this disease.

Illumina Laboratory Services, Illumina
Classification: Uncertain significance for Hypothyroidism due to TSH receptor mutations. Last evaluated: 2018-01-12. Review status: criteria provided, single submitter. Criteria: ICSL Variant Classification Criteria 13 December 2019. Collection method: clinical testing. Allele origin: germline.